The following is an entry in ClinVar:

NC_000012.11:g.(?_64198994)_(64238683_?)dup

Genes: RXYLT1 (ribitol xylosyltransferase 1; plus strand), SRGAP1 (SLIT-ROBO Rho GTPase activating protein 1; plus strand). Cytogenetic location: 12q14.2.
Variant type: Duplication.
Identifiers: ClinVar variation 2425930 (VCV002425930.4).

ClinVar aggregate classification (germline): Uncertain significance (1 of 4 stars; one submission).

Submission:

Labcorp Genetics (formerly Invitae), Labcorp
Classification: Uncertain significance. Last evaluated: 2022-03-24. Review status: criteria provided, single submitter. Criteria: Invitae Variant Classification Sherloc (09022015). Collection method: clinical testing. Allele origin: germline.
Comment: In summary, the available evidence is currently insufficient to determine the role of this variant in disease. Therefore, it has been classified as a Variant of Uncertain Significance. Experimental studies and prediction algorithms are not available or were not evaluated, and the functional significance of this variant is currently unknown. This variant has not been reported in the literature in individuals affected with RXYLT1-related conditions. This variant results in a copy number gain of the genomic region encompassing exon(s) 5-6 of the RXYLT1 gene. This region includes the termination codon of the gene. This copy number gain extends beyond the assayed region for this gene and therefore may encompass additional genes. As the precise location of this event is unknown, it may be in tandem or it may be located elsewhere in the genome.